The following is an entry in ClinVar:

ClinVar aggregate classification (germline): Likely benign. Review status: criteria provided, multiple submitters, no conflicts (2 of 4 stars). 3 submissions from 3 submitters: Likely benign (3). Last evaluated 2024-10-16.

Allele frequency attached by ClinVar (database versions not stated): gnomAD 0.00006 and 0.00008; TOPMed 0.00009; ExAC 0.00010; gnomAD exomes 0.00016 and 0.00020.
gnomAD v4.1: 299 of 1,613,774 alleles (0.019%); highest among the groups gnomAD compares: Middle Eastern, 0.12%; 1 homozygote.

Submissions (4):

Blueprint Genetics
Classification: Likely benign. Last evaluated: 2024-10-16. Review status: criteria provided, single submitter. Criteria: ACMG Guidelines, 2015. Collection method: clinical testing. Allele origin: germline.

Labcorp Genetics (formerly Invitae), Labcorp
Classification: Likely benign. Last evaluated: 2024-10-15. Review status: criteria provided, single submitter. Criteria: Invitae Variant Classification Sherloc (09022015). Collection method: clinical testing. Allele origin: germline.

CeGaT Center for Human Genetics Tuebingen
Classification: Likely benign. Last evaluated: 2022-12-01. Review status: criteria provided, single submitter. Criteria: CeGaT Center For Human Genetics Tuebingen Variant Classification Criteria Version 2. Collection method: clinical testing. Allele origin: germline. Affected: yes. Observed: 2 variant alleles.
Comment: HTT: BP4, BP7

Dr. Peter K. Rogan Lab, Western University
No classification provided (evidence only). Condition: Clear cell carcinoma of kidney. Review status: no classification provided. Collection method: in vitro. Allele origin: not applicable. Functional consequence: retained intron. Not counted in ClinVar's aggregate classification.

NM_001388492.1(HTT):c.7755G>A (p.Pro2585=)

Gene: HTT (huntingtin; plus strand). Cytogenetic location: 4p16.3.
Variant type: single nucleotide variant.
Coding change: c.7755G>A on transcript NM_001388492.1 (MANE Select); coding-DNA position 7755, G replaced by A.
Protein change: p.Pro2585=; no amino-acid change (proline 2585 retained).
Molecular consequence: synonymous variant.
Genome position (GRCh38, 1-based): chr4:3,224,121, G>A. VCF-style: chr4-3224121-G-A. GRCh37 (hg19) VCF-style: chr4-3225848-G-A.
Other names: c.7761G>A, p.Pro2587= (NM_002111.8).
Identifiers: ClinVar variation 1533543 (VCV001533543.39), dbSNP rs779366537, ClinGen allele CA2825444.
Genomic context (GRCh38, chr4:3,224,121, plus strand): 5'-AGAGAATATTGCCACCCATCATTTATATCAGGCATGGGATCCTGTCCCTTCTCTGTCTCC[G>A]GCTACTACAGGTACCTGAGGGAAAGGGTGCGGGGGAGCGGTTGTACTTGGGCTAGAATGA-3'
Protein context (NP_001375421.1, residues 2575-2595): QAWDPVPSLS[Pro2585=]ATTGALISHE